The following is an entry in ClinVar:

ClinVar aggregate classification (germline): other (0 of 4 stars; one submission).

Conditions:
Familial colorectal cancer. Identifiers: MedGen CN280943, MONDO:0023113. Disease mechanism: loss of function.

Submission:

Systems Biology Platform Zhejiang California International NanoSystems Institute
Classification: other for Familial colorectal cancer. Review status: no assertion criteria provided. Collection method: not provided. Allele origin: unknown.
ClinVar note: Converted during submission from cancer to other.

NM_000038.6(APC):c.423-2361C>A

Gene: APC (APC regulator of WNT signaling pathway; plus strand). Cytogenetic location: 5q22.2.
Variant type: single nucleotide variant.
Coding change: c.423-2361C>A on transcript NM_000038.6 (MANE Select); 2361 bases into the intron before coding-DNA position 423, C replaced by A.
Molecular consequence: intron variant.
Genome position (GRCh38, 1-based): chr5:112,773,268, C>A. VCF-style: chr5-112773268-C-A. GRCh37 (hg19) VCF-style: chr5-112108965-C-A.
Other names: c.423-2361C>A (NM_001354895.2, NM_001127510.3, NM_001354896.2 and 2 more transcripts); c.453-2361C>A (NM_001354897.2, NM_001354902.2, NM_001127511.3); c.348-2361C>A (NM_001354898.2, NM_001354904.2); c.-613-2361C>A (NM_001354906.2); c.246-2361C>A (NM_001354900.2, NM_001354901.2, NM_001354905.2).
Identifiers: ClinVar variation 82900 (VCV000082900.2), dbSNP rs79736637, ClinGen allele CA009201.
Genomic context (GRCh38, chr5:112,773,268, plus strand): 5'-ACATTTTAGCAAGAACAGAACCTTCCACATACTCACTACTAAGATTCATTCCCATATTTC[C>A]TAAGAAACAATAATCAAGCAGAACTTTTAAAGTAATAGTATCAGAGTGGGGAACGTCTCT-3'